The following is an entry in ClinVar:

ClinVar aggregate classification (germline): Pathogenic. Review status: criteria provided, multiple submitters, no conflicts (2 of 4 stars). 2 submissions from 2 submitters: Pathogenic (2). Last evaluated 2022-08-12.

Conditions:
Hereditary cancer-predisposing syndrome. Also called: Neoplastic Syndromes, Hereditary; Hereditary neoplastic syndrome; Tumor predisposition; Hereditary Cancer Syndrome. Identifiers: Orphanet 140162, MedGen C0027672, MeSH D009386, MONDO:0015356.
Microcephaly, normal intelligence and immunodeficiency (NBS). Also called: SEEMANOVA SYNDROME II; Immunodeficiency, microcephaly with normal intelligence; IMMUNODEFICIENCY, MICROCEPHALY, AND CHROMOSOMAL INSTABILITY; Ataxia telangiectasia variant V1; BERLIN BREAKAGE SYNDROME; Nijmegen breakage syndrome. Identifiers: Orphanet 647, MedGen C0398791, MONDO:0009623, OMIM 251260.

Submissions (2):

Ambry Genetics
Classification: Pathogenic for Hereditary cancer-predisposing syndrome. Last evaluated: 2022-08-12. Review status: criteria provided, single submitter. Criteria: Ambry Variant Classification Scheme 2023. Collection method: clinical testing. Allele origin: germline.
Comment: The c.1695_1698dupGTTA pathogenic mutation, located in coding exon 11 of the NBN gene, results from a duplication of GTTA at nucleotide position 1695, causing a translational frameshift with a predicted alternate stop codon (p.F567Vfs*12). This variant is considered to be rare based on population cohorts in the Genome Aggregation Database (gnomAD). This alteration is expected to result in loss of function by premature protein truncation or nonsense-mediated mRNA decay. As such, this alteration is interpreted as a disease-causing mutation.

Labcorp Genetics (formerly Invitae), Labcorp
Classification: Pathogenic for Microcephaly, normal intelligence and immunodeficiency. Last evaluated: 2021-12-27. Review status: criteria provided, single submitter. Criteria: Invitae Variant Classification Sherloc (09022015). Collection method: clinical testing. Allele origin: germline.
Comment: For these reasons, this variant has been classified as Pathogenic. ClinVar contains an entry for this variant (Variation ID: 1075344). This variant has not been reported in the literature in individuals affected with NBN-related conditions. This variant is not present in population databases (gnomAD no frequency). This sequence change creates a premature translational stop signal (p.Phe567Valfs*12) in the NBN gene. It is expected to result in an absent or disrupted protein product. Loss-of-function variants in NBN are known to be pathogenic (PMID: 9590180, 16415040).

Literature cited by the submitters: PubMed 9590180 (cited by Labcorp Genetics (formerly Invitae), Labcorp); PubMed 16415040 (cited by Labcorp Genetics (formerly Invitae), Labcorp).

NM_002485.5(NBN):c.1695_1698dup (p.Phe567fs)

Gene: NBN (nibrin; minus strand). Cytogenetic location: 8q21.3.
Variant type: Duplication.
Coding change: c.1695_1698dup on transcript NM_002485.5 (MANE Select); coding-DNA positions 1695 to 1698, 4 bases duplicated (GTTA; older notation c.1695_1698dupGTTA).
Protein change: p.Phe567fs; shifts the reading frame from phenylalanine 567.
Molecular consequence: frameshift variant.
Genome position (GRCh38, 1-based): chr8:89,953,391-89,953,394, TAAC duplicated on the plus strand (GTTA on the coding strand, the reverse complement: NBN is on the minus strand); duplicating any 4 consecutive bases within chr8:89,953,391-89,953,395 gives the same sequence; the c. name uses the placement nearest the transcript's 3' end. VCF-style (leftmost placement, unchanged base first): chr8-89953390-A-ATAAC. GRCh37 (hg19) VCF-style: chr8-90965618-A-ATAAC.
Other names: c.1449_1452dup, p.Phe485fs (NM_001024688.3); short protein forms F485fs, F567fs.
Identifiers: ClinVar variation 1075344 (VCV001075344.9), dbSNP rs1279184426, ClinGen allele CA856711139.
Genomic context (GRCh38, chr8:89,953,390, plus strand): 5'-CATCTTCCTCCTGTTTTTGAACTTTCACATCAATTTCTAACTCTGGTTTTGTGTCCTTGA[A>ATAAC]TAACTGTTCCAATACTTCATCTTCTATGGCCACATCATCCATTTCCCTTTTTTTATTTGA-3'